The following is an entry in ClinVar:

ClinVar aggregate classification (germline): Uncertain significance (1 of 4 stars; one submission).

Submission:

GeneDx
Classification: Uncertain significance. Last evaluated: 2025-08-11. Review status: criteria provided, single submitter. Criteria: GeneDx Variant Classification Process June 2021. Collection method: clinical testing. Allele origin: germline. Affected: yes.
Comment: Not observed at significant frequency in large population cohorts (gnomAD); In silico analysis supports that this missense variant has a deleterious effect on protein structure/function; Has not been previously published as pathogenic or benign to our knowledge

NM_001080517.3(SETD5):c.2672C>T (p.Pro891Leu)

Gene: SETD5 (SET domain containing 5; plus strand). Cytogenetic location: 3p25.3.
Variant type: single nucleotide variant.
Coding change: c.2672C>T on transcript NM_001080517.3 (MANE Select); coding-DNA position 2672, C replaced by T.
Protein change: p.Pro891Leu; replaces proline 891 with leucine.
Molecular consequence: missense variant.
Genome position (GRCh38, 1-based): chr3:9,464,620, C>T. VCF-style: chr3-9464620-C-T. GRCh37 (hg19) VCF-style: chr3-9506304-C-T.
Other names: c.2378C>T, p.Pro793Leu (NM_001292043.2, NM_001349451.2); c.2768C>T, p.Pro923Leu (NM_001437633.1); c.2729C>T, p.Pro910Leu (NM_001437635.1); c.2672C>T, p.Pro891Leu (NM_001437643.1); c.2711C>T, p.Pro904Leu (NM_001437701.1); short protein forms P923L, P910L, P891L, P793L, P904L.
Identifiers: ClinVar variation 4795508 (VCV004795508.1).
Genomic context (GRCh38, chr3:9,464,620, plus strand): 5'-CTGGCTCATCTCACCCAGGAGAAGAGGAGTGTCGAAATGGATACAGCCTCATGTTTTCAC[C>T]AGTCACATCTCTTACTACTGCTAGTCGCTGCAACACTCCTCTACAGTTTGAGGTGATTTG-3'
Protein context (NP_001073986.1, residues 881-901): CRNGYSLMFS[Pro891Leu]VTSLTTASRC